The following is an entry in ClinVar:

NM_001374828.1(ARID1B):c.2964dup (p.Ser989fs)

Gene: ARID1B (AT-rich interaction domain 1B; plus strand). Cytogenetic location: 6q25.3.
Variant type: Duplication.
Coding change: c.2964dup on transcript NM_001374828.1 (MANE Select); coding-DNA position 2964, one base duplicated (C; older notation c.2964dupC).
Protein change: p.Ser989fs; shifts the reading frame from serine 989.
Molecular consequence: frameshift variant.
Genome position (GRCh38, 1-based): chr6:157,148,826, C duplicated; the last of 5 consecutive C bases (chr6:157,148,822-157,148,826); duplicating any one gives the same sequence. VCF-style (leftmost placement, unchanged base first): chr6-157148821-A-AC. GRCh37 (hg19) VCF-style: chr6-157469955-A-AC.
Other names: c.465dup, p.Ser156fs (NM_001363725.2, NM_001438488.1); c.3003dup, p.Ser1002fs (NM_001371656.1, NM_001374820.1); c.2964dup, p.Ser989fs (NM_001438482.1, NM_017519.3); c.3006dup, p.Ser1003fs (NM_001438483.1, NM_001438486.1); c.2874dup, p.Ser959fs (NM_001438485.1); c.2784dup, p.Ser929fs (NM_001438487.1); short protein forms S1002fs, S1003fs, S156fs, S929fs, S959fs, S989fs.
Identifiers: ClinVar variation 4087708 (VCV004087708.1).
Genomic context (GRCh38, chr6:157,148,821, plus strand): 5'-GGACGAATGCCATCAGCTGGGATGCAGAACAGACCATTTCCTGGAAATATGAGCAGCATG[A>AC]CCCCCAGTTCTCCTGGCATGTCTCAGCAGGGAGGGCCAGGAATGGGGCCGCCAATGCCAA-3'

ClinVar aggregate classification (germline): Pathogenic (1 of 4 stars; one submission).

Conditions:
Coffin-Siris syndrome 1 (CSS1). Also called: ARID1B-Related Coffin-Siris Syndrome; Mental retardation, autosomal dominant 12. Identifiers: Orphanet 1465, MedGen C3281201, MONDO:0007617, OMIM 135900. Disease mechanism: gain of function.

Submission:

Institute of Human Genetics, FAU Erlangen, Friedrich-Alexander-Universität Erlangen-Nürnberg
Classification: Pathogenic for Coffin-Siris syndrome 1. Last evaluated: 2025-09-26. Review status: criteria provided, single submitter. Criteria: Hauer et al. (Genet Med. 2018). Collection method: clinical testing. Allele origin: germline. Inheritance: Autosomal dominant inheritance. Affected: yes. Observed: 1 variant allele.
Comment: This variant has been identified by standard clinical testing. Selected ACMG criteria: Pathogenic (I):PM2;PS2;PVS1